The following is an entry in ClinVar:

NM_000051.4(ATM):c.1034T>C (p.Leu345Ser)

Gene: ATM (ATM serine/threonine kinase; plus strand). Cytogenetic location: 11q22.3.
Variant type: single nucleotide variant.
Coding change: c.1034T>C on transcript NM_000051.4 (MANE Select); coding-DNA position 1034, T replaced by C.
Protein change: p.Leu345Ser; replaces leucine 345 with serine.
Molecular consequence: missense variant.
Genome position (GRCh38, 1-based): chr11:108,247,096, T>C. VCF-style: chr11-108247096-T-C. GRCh37 (hg19) VCF-style: chr11-108117823-T-C.
Other names: c.1034T>C, p.Leu345Ser (NM_001351834.2); short protein forms L345S.
Identifiers: ClinVar variation 1716571 (VCV001716571.5), dbSNP rs2135268566, ClinGen allele CA382531661.

ClinVar aggregate classification (germline): Uncertain significance (1 of 4 stars; one submission).

Conditions:
Ataxia-telangiectasia syndrome (AT). Also called: Cerebello-oculocutaneous telangiectasia; ATAXIA-TELANGIECTASIA, COMPLEMENTATION GROUP A; ATAXIA-TELANGIECTASIA, FRESNO VARIANT; Ataxia-telangiectasia, complementation group D; AT, COMPLEMENTATION GROUP C; Immunodeficiency with ataxia telangiectasia. Identifiers: Orphanet 100, MedGen C0004135, MONDO:0008840, OMIM 208900.

Submission:

Labcorp Genetics (formerly Invitae), Labcorp
Classification: Uncertain significance for Ataxia-telangiectasia syndrome. Last evaluated: 2022-08-16. Review status: criteria provided, single submitter. Criteria: Invitae Variant Classification Sherloc (09022015). Collection method: clinical testing. Allele origin: germline.
Comment: In summary, the available evidence is currently insufficient to determine the role of this variant in disease. Therefore, it has been classified as a Variant of Uncertain Significance. Advanced modeling of protein sequence and biophysical properties (such as structural, functional, and spatial information, amino acid conservation, physicochemical variation, residue mobility, and thermodynamic stability) performed at Invitae indicates that this missense variant is not expected to disrupt ATM protein function. This variant has not been reported in the literature in individuals affected with ATM-related conditions. This variant is not present in population databases (gnomAD no frequency). This sequence change replaces leucine, which is neutral and non-polar, with serine, which is neutral and polar, at codon 345 of the ATM protein (p.Leu345Ser).